The following is an entry in ClinVar:

ClinVar aggregate classification (germline): Conflicting classifications of pathogenicity. Review status: criteria provided, conflicting classifications (1 of 4 stars). 2 submissions from 2 submitters: Uncertain significance (1); Likely benign (1). Last evaluated 2026-07-01.

Conditions:
Inborn genetic diseases. Identifiers: MedGen C0950123, MeSH D030342.

gnomAD v4.1: 10 of 1,604,614 alleles (0.00062%); highest among the groups gnomAD compares: Admixed American, 0.012%; no homozygotes.

Submissions (2):

CeGaT Center for Human Genetics Tuebingen
Classification: Likely benign. Last evaluated: 2026-07-01. Review status: criteria provided, single submitter. Criteria: CeGaT Center For Human Genetics Tuebingen Variant Classification Criteria Version 2. Collection method: clinical testing. Allele origin: germline. Affected: yes. Observed: 1 variant allele.
Comment: CHD3: BP4

Ambry Genetics
Classification: Uncertain significance for Inborn genetic diseases. Last evaluated: 2024-11-08. Review status: criteria provided, single submitter. Criteria: Ambry Variant Classification Scheme 2023. Collection method: clinical testing. Allele origin: germline.

NM_001005273.3(CHD3):c.691G>A (p.Ala231Thr)

Gene: CHD3 (chromodomain helicase DNA binding protein 3; plus strand). Cytogenetic location: 17p13.1.
Variant type: single nucleotide variant.
Coding change: c.691G>A on transcript NM_001005273.3 (MANE Select); coding-DNA position 691, G replaced by A.
Protein change: p.Ala231Thr; replaces alanine 231 with threonine.
Molecular consequence: missense variant.
Genome position (GRCh38, 1-based): chr17:7,893,467, G>A. VCF-style: chr17-7893467-G-A. GRCh37 (hg19) VCF-style: chr17-7796785-G-A.
Other names: c.868G>A, p.Ala290Thr (NM_001005271.3); c.691G>A, p.Ala231Thr (NM_005852.4); short protein forms A231T, A290T.
Identifiers: ClinVar variation 3491949 (VCV003491949.2).